The following is an entry in ClinVar:

ClinVar aggregate classification (germline): Uncertain significance. Review status: criteria provided, multiple submitters, no conflicts (2 of 4 stars). 4 submissions from 3 submitters: Uncertain significance (4). Last evaluated 2025-07-03.

Conditions:
Amyotrophic lateral sclerosis type 4 (ALS4). Also called: AMYOTROPHIC LATERAL SCLEROSIS 4, JUVENILE; NEURONOPATHY, DISTAL HEREDITARY MOTOR, WITH PYRAMIDAL FEATURES. Identifiers: Orphanet 357043, MedGen C1865409, MONDO:0011223, OMIM 602433.
Spinocerebellar ataxia, autosomal recessive, with axonal neuropathy 2 (SCAN2). Also called: ATAXIA-OCULOMOTOR APRAXIA 2; Ataxia-ocular apraxia-2; Ataxia with Oculomotor Apraxia; Ataxia with Oculomotor Apraxia Type 2. Identifiers: Orphanet 64753, MedGen C1853761, MONDO:0018996, OMIM 606002.

Allele frequency attached by ClinVar (database versions not stated): gnomAD exomes 0.00001.
gnomAD v4.1: 5 of 1,572,922 alleles (0.00032%); highest among the groups gnomAD compares: Middle Eastern, 0.052%; no homozygotes.

Submissions (4):

Women's Health and Genetics/Laboratory Corporation of America, LabCorp
Classification: Uncertain significance. Last evaluated: 2025-07-03. Review status: criteria provided, single submitter. Criteria: LabCorp Variant Classification Summary - May 2015. Collection method: clinical testing. Allele origin: germline.
Comment: Variant summary: SETX c.1358A>G (p.Lys453Arg) results in a conservative amino acid change in the encoded protein sequence. Algorithms developed to predict the effect of missense changes on protein structure and function all suggest that this variant is likely to be tolerated. The variant was absent in 219434 control chromosomes. The available data on variant occurrences in the general population are insufficient to allow any conclusion about variant significance. To our knowledge, no occurrence of c.1358A>G in individuals affected with Spinocerebellar ataxia, autosomal recessive, with axonal neuropathy 2 and no experimental evidence demonstrating its impact on protein function have been reported. ClinVar contains an entry for this variant (Variation ID: 365373). Based on the evidence outlined above, the variant was classified as uncertain significance.

Revvity Omics, Revvity
Classification: Uncertain significance. Last evaluated: 2023-11-06. Review status: criteria provided, single submitter. Criteria: ACMG Guidelines, 2015. Collection method: clinical testing. Allele origin: germline.

Illumina Laboratory Services, Illumina
Classification: Uncertain significance for Amyotrophic lateral sclerosis type 4. Last evaluated: 2018-01-12. Review status: criteria provided, single submitter. Criteria: ICSL Variant Classification Criteria 13 December 2019. Collection method: clinical testing. Allele origin: germline.

Illumina Laboratory Services, Illumina
Classification: Uncertain significance for Spinocerebellar ataxia, autosomal recessive, with axonal neuropathy 2. Last evaluated: 2018-01-12. Review status: criteria provided, single submitter. Criteria: ICSL Variant Classification Criteria 13 December 2019. Collection method: clinical testing. Allele origin: germline.

NM_015046.7(SETX):c.1358A>G (p.Lys453Arg)

Gene: SETX (senataxin; minus strand). Cytogenetic location: 9q34.13.
Variant type: single nucleotide variant.
Coding change: c.1358A>G on transcript NM_015046.7 (MANE Select); coding-DNA position 1358, A replaced by G.
Protein change: p.Lys453Arg; replaces lysine 453 with arginine.
Molecular consequence: missense variant.
Genome position (GRCh38, 1-based): chr9:132,330,240, T>C on the plus strand (A>G on the coding strand, the complement: SETX is on the minus strand). VCF-style: chr9-132330240-T-C. GRCh37 (hg19) VCF-style: chr9-135205627-T-C.
Other names: c.1358A>G, p.Lys453Arg (NM_001351527.2, NM_001351528.2); short protein forms K453R.
Identifiers: ClinVar variation 365373 (VCV000365373.9), dbSNP rs886063559, ClinGen allele CA10626639.